The following is an entry in ClinVar:

NM_182961.4(SYNE1):c.25650G>A (p.Met8550Ile)

Gene: SYNE1 (spectrin repeat containing nuclear envelope protein 1; minus strand). Cytogenetic location: 6q25.2.
Variant type: single nucleotide variant.
Coding change: c.25650G>A on transcript NM_182961.4 (MANE Select); coding-DNA position 25650, G replaced by A.
Protein change: p.Met8550Ile; replaces methionine 8550 with isoleucine.
Molecular consequence: missense variant.
Genome position (GRCh38, 1-based): chr6:152,136,627, C>T on the plus strand (G>A on the coding strand, the complement: SYNE1 is on the minus strand). VCF-style: chr6-152136627-C-T. GRCh37 (hg19) VCF-style: chr6-152457762-C-T.
Other names: c.2256G>A, p.Met752Ile (NM_001347701.2); c.2184G>A, p.Met728Ile (NM_001347702.2); c.25506G>A, p.Met8502Ile (NM_033071.5); short protein forms M728I, M8502I, M752I, M8550I.
Identifiers: ClinVar variation 1035231 (VCV001035231.8), dbSNP rs1354935363, ClinGen allele CA366078795.

ClinVar aggregate classification (germline): Uncertain significance (1 of 4 stars; one submission).

Conditions:
Emery-Dreifuss muscular dystrophy 4, autosomal dominant (EDMD4). Also called: EMERY-DREIFUSS MUSCULAR DYSTROPHY 4 WITH VARIABLE FEATURES. Identifiers: Orphanet 261, MedGen C2751807, MONDO:0013071, OMIM 612998.
Autosomal recessive ataxia, Beauce type. Also called: Spinocerebellar ataxia, autosomal recessive 8; ATAXIA, RECESSIVE, OF BEAUCE; SYNE1 Deficiency; SYNE1-Related Autosomal Recessive Cerebellar Ataxia. Identifiers: Orphanet 88644, MedGen C1853116, MONDO:0012549, OMIM 610743.

Allele frequency attached by ClinVar (database versions not stated): gnomAD exomes 0.00001.
gnomAD v4.1: 3 of 1,613,528 alleles (0.00019%); no homozygotes.

Submission:

Labcorp Genetics (formerly Invitae), Labcorp
Classification: Uncertain significance for Emery-Dreifuss muscular dystrophy 4, autosomal dominant; Autosomal recessive ataxia, Beauce type. Last evaluated: 2022-02-03. Review status: criteria provided, single submitter. Criteria: Invitae Variant Classification Sherloc (09022015). Collection method: clinical testing. Allele origin: germline.
Comment: ClinVar contains an entry for this variant (Variation ID: 1035231). This sequence change replaces methionine, which is neutral and non-polar, with isoleucine, which is neutral and non-polar, at codon 8502 of the SYNE1 protein (p.Met8502Ile). This variant is present in population databases (no rsID available, gnomAD 0.003%). This variant has not been reported in the literature in individuals affected with SYNE1-related conditions. Algorithms developed to predict the effect of missense changes on protein structure and function are either unavailable or do not agree on the potential impact of this missense change (SIFT: "Deleterious"; PolyPhen-2: "Benign"; Align-GVGD: "Class C0"). In summary, the available evidence is currently insufficient to determine the role of this variant in disease. Therefore, it has been classified as a Variant of Uncertain Significance.